The following is an entry in ClinVar:

NM_000092.5(COL4A4):c.2816G>A (p.Gly939Asp)

Gene: COL4A4 (collagen type IV alpha 4 chain; minus strand). Cytogenetic location: 2q36.3.
Variant type: single nucleotide variant.
Coding change: c.2816G>A on transcript NM_000092.5 (MANE Select); coding-DNA position 2816, G replaced by A.
Protein change: p.Gly939Asp; replaces glycine 939 with aspartic acid.
Molecular consequence: missense variant.
Genome position (GRCh38, 1-based): chr2:227,054,638, C>T on the plus strand (G>A on the coding strand, the complement: COL4A4 is on the minus strand). VCF-style: chr2-227054638-C-T. GRCh37 (hg19) VCF-style: chr2-227919354-C-T.
Other names: short protein forms G939D.
Identifiers: ClinVar variation 4817318 (VCV004817318.1).

ClinVar aggregate classification (germline): Likely pathogenic (1 of 4 stars; one submission).

Conditions:
Alport syndrome. Also called: Hemorrhagic familial nephritis; Hemorrhagic hereditary nephritis; Congenital hereditary hematuria. Identifiers: Orphanet 63, MedGen C1567741, MONDO:0018965.

Submission:

Natera, Inc.
Classification: Likely pathogenic for Alport syndrome. Last evaluated: 2025-09-04. Review status: criteria provided, single submitter. Criteria: Natera Variant Classification Schema (03/2026). Collection method: clinical testing. Allele origin: germline.
Comment: The c.2816G>A variant in COL4A4 is a missense variant predicted to cause substitution of glycine to aspartic acid at amino acid 939. This variant is rare in the general population with a frequency below the threshold expected for the associated phenotype(s). This variant is located in a functionally critical region of the protein. Computational prediction algorithms indicate this variant is likely to affect gene or protein function. Given the available evidence, this variant is classified as Likely Pathogenic.